The following is an entry in ClinVar:

ClinVar aggregate classification (germline): Uncertain significance. Review status: criteria provided, multiple submitters, no conflicts (2 of 4 stars). 2 submissions from 2 submitters: Uncertain significance (2). Last evaluated 2022-08-08.

Conditions:
Autosomal recessive spastic paraplegia type 78. Identifiers: Orphanet 513436, MedGen C5567893, MONDO:0014975, OMIM 617225.
Kufor-Rakeb syndrome (KRS). Also called: PARKINSON DISEASE 9, AUTOSOMAL RECESSIVE, JUVENILE-ONSET. Identifiers: Orphanet 306674, Orphanet 314632, MedGen C1847640, MONDO:0011706, OMIM 606693.

Allele frequency attached by ClinVar (database versions not stated): ExAC 0.00001; gnomAD 0.00002 and 0.00003; TOPMed 0.00002; gnomAD exomes 0.00003.
gnomAD v4.1: 85 of 1,613,896 alleles (0.0053%); highest among the groups gnomAD compares: South Asian, 0.012%; no homozygotes.

Submissions (2):

Labcorp Genetics (formerly Invitae), Labcorp
Classification: Uncertain significance for Kufor-Rakeb syndrome; Autosomal recessive spastic paraplegia type 78. Last evaluated: 2022-08-08. Review status: criteria provided, single submitter. Criteria: Invitae Variant Classification Sherloc (09022015). Collection method: clinical testing. Allele origin: germline.
Comment: This sequence change replaces glutamic acid, which is acidic and polar, with lysine, which is basic and polar, at codon 790 of the ATP13A2 protein (p.Glu790Lys). This variant is present in population databases (rs754208001, gnomAD 0.007%). This variant has not been reported in the literature in individuals affected with ATP13A2-related conditions. ClinVar contains an entry for this variant (Variation ID: 1416504). Advanced modeling of protein sequence and biophysical properties (such as structural, functional, and spatial information, amino acid conservation, physicochemical variation, residue mobility, and thermodynamic stability) performed at Invitae indicates that this missense variant is not expected to disrupt ATP13A2 protein function. In summary, the available evidence is currently insufficient to determine the role of this variant in disease. Therefore, it has been classified as a Variant of Uncertain Significance.

Mendelics
Classification: Uncertain significance. Last evaluated: 2022-05-04. Review status: criteria provided, single submitter. Criteria: Mendelics Assertion Criteria 2019. Collection method: clinical testing. Allele origin: germline.

NM_022089.4(ATP13A2):c.2368G>A (p.Glu790Lys)

Gene: ATP13A2 (ATPase cation transporting 13A2; minus strand). Cytogenetic location: 1p36.13.
Variant type: single nucleotide variant.
Coding change: c.2368G>A on transcript NM_022089.4 (MANE Select); coding-DNA position 2368, G replaced by A.
Protein change: p.Glu790Lys; replaces glutamic acid 790 with lysine.
Molecular consequence: missense variant.
Genome position (GRCh38, 1-based): chr1:16,990,171, C>T on the plus strand (G>A on the coding strand, the complement: ATP13A2 is on the minus strand). VCF-style: chr1-16990171-C-T. GRCh37 (hg19) VCF-style: chr1-17316666-C-T.
Other names: c.2353G>A, p.Glu785Lys (NM_001141973.3, NM_001141974.3); short protein forms E785K, E790K.
Identifiers: ClinVar variation 1416504 (VCV001416504.4), dbSNP rs754208001, ClinGen allele CA636866.